The following is an entry in ClinVar:

NM_006258.4(PRKG1):c.1906G>C (p.Gly636Arg)

Gene: PRKG1 (protein kinase cGMP-dependent 1; plus strand). Cytogenetic location: 10q21.1.
Variant type: single nucleotide variant.
Coding change: c.1906G>C on transcript NM_006258.4 (MANE Select); coding-DNA position 1906, G replaced by C.
Protein change: p.Gly636Arg; replaces glycine 636 with arginine.
Molecular consequence: missense variant.
Genome position (GRCh38, 1-based): chr10:52,290,234, G>C. VCF-style: chr10-52290234-G-C. GRCh37 (hg19) VCF-style: chr10-54049994-G-C.
Other names: c.1861G>C, p.Gly621Arg (NM_001098512.3); c.697G>C, p.Gly233Arg (NM_001374781.1); short protein forms G233R, G621R, G636R.
Identifiers: ClinVar variation 3783390 (VCV003783390.1).

ClinVar aggregate classification (germline): Uncertain significance (1 of 4 stars; one submission).

Conditions:
Familial thoracic aortic aneurysm and aortic dissection (TAAD). Also called: Thoracic aortic aneurysms and dissections. Identifiers: Orphanet 91387, MedGen C4707243, MONDO:0019625.

Submission:

Ambry Genetics
Classification: Uncertain significance for Familial thoracic aortic aneurysm and aortic dissection. Last evaluated: 2025-01-11. Review status: criteria provided, single submitter. Criteria: Ambry Variant Classification Scheme 2023. Collection method: clinical testing. Allele origin: germline.
Comment: The p.G636R variant (also known as c.1906G>C), located in coding exon 17 of the PRKG1 gene, results from a G to C substitution at nucleotide position 1906. The glycine at codon 636 is replaced by arginine, an amino acid with dissimilar properties. This amino acid position is conserved. In addition, the in silico prediction for this alteration is inconclusive. Based on the available evidence, the clinical significance of this variant remains unclear.